The following is an entry in ClinVar:

ClinVar aggregate classification (germline): Uncertain significance. Review status: criteria provided, multiple submitters, no conflicts (2 of 4 stars). 3 submissions from 3 submitters: Uncertain significance (3). Last evaluated 2025-06-27.

Conditions:
Retinitis pigmentosa (RP). Identifiers: Orphanet 791, MedGen C0035334, MeSH D012174, MONDO:0019200, OMIM 268000. Inheritance: Autosomal dominant, autosomal recessive and X linked inheritance.

Allele frequency attached by ClinVar (database versions not stated): TOPMed 0.00002; gnomAD 0.00006.
gnomAD v4.1: 56 of 1,613,828 alleles (0.0035%); highest among the groups gnomAD compares: Non-Finnish European, 0.0041%; no homozygotes.

Submissions (3):

Labcorp Genetics (formerly Invitae), Labcorp
Classification: Uncertain significance. Last evaluated: 2025-06-27. Review status: criteria provided, single submitter. Criteria: Invitae Variant Classification Sherloc (09022015). Collection method: clinical testing. Allele origin: germline.
Comment: This sequence change replaces alanine, which is neutral and non-polar, with valine, which is neutral and non-polar, at codon 698 of the IMPG2 protein (p.Ala698Val). This variant is present in population databases (rs767082811, gnomAD 0.003%). This variant has not been reported in the literature in individuals affected with IMPG2-related conditions. ClinVar contains an entry for this variant (Variation ID: 342346). Invitae Evidence Modeling of protein sequence and biophysical properties (such as structural, functional, and spatial information, amino acid conservation, physicochemical variation, residue mobility, and thermodynamic stability) indicates that this missense variant is not expected to disrupt IMPG2 protein function with a negative predictive value of 80%. In summary, the available evidence is currently insufficient to determine the role of this variant in disease. Therefore, it has been classified as a Variant of Uncertain Significance.

Blueprint Genetics
Classification: Uncertain significance. Last evaluated: 2022-08-10. Review status: criteria provided, single submitter. Criteria: ACMG Guidelines, 2015. Collection method: clinical testing. Allele origin: germline.

Illumina Laboratory Services, Illumina
Classification: Uncertain significance for Retinitis pigmentosa. Last evaluated: 2018-01-13. Review status: criteria provided, single submitter. Criteria: ICSL Variant Classification Criteria 13 December 2019. Collection method: clinical testing. Allele origin: germline.

NM_016247.4(IMPG2):c.2093C>T (p.Ala698Val)

Gene: IMPG2 (interphotoreceptor matrix proteoglycan 2; minus strand). Cytogenetic location: 3q12.3.
Variant type: single nucleotide variant.
Coding change: c.2093C>T on transcript NM_016247.4 (MANE Select); coding-DNA position 2093, C replaced by T.
Protein change: p.Ala698Val; replaces alanine 698 with valine.
Molecular consequence: missense variant.
Genome position (GRCh38, 1-based): chr3:101,244,238, G>A on the plus strand (C>T on the coding strand, the complement: IMPG2 is on the minus strand). VCF-style: chr3-101244238-G-A. GRCh37 (hg19) VCF-style: chr3-100963082-G-A.
Other names: short protein forms A698V.
Identifiers: ClinVar variation 342346 (VCV000342346.13), dbSNP rs767082811, ClinGen allele CA2519044.